The following is an entry in ClinVar:

ClinVar aggregate classification (germline): Uncertain significance. Review status: criteria provided, multiple submitters, no conflicts (2 of 4 stars). 2 submissions from 2 submitters: Uncertain significance (2). Last evaluated 2023-11-06.

Conditions:
Inborn genetic diseases. Identifiers: MedGen C0950123, MeSH D030342.
Combined immunodeficiency with skin granulomas. Identifiers: Orphanet 157949, MedGen C2673536, MONDO:0009306, OMIM 233650.
Severe combined immunodeficiency, autosomal recessive, T cell-negative, B cell-negative, NK cell-positive. Also called: SCID, T CELL-NEGATIVE, B CELL-NEGATIVE, NK CELL-POSITIVE; SCID, AR, T-cell negative, B-cell negative, NK cell-positive; Severe combined immunodeficiency due to complete RAG1/2 deficiency. Identifiers: Orphanet 331206, MedGen C1832322, MONDO:0011086, OMIM 601457.

Allele frequency attached by ClinVar (database versions not stated): gnomAD 0.00001; gnomAD exomes 0.00001 and 0.00003; TOPMed 0.00002.
gnomAD v4.1: 48 of 1,614,076 alleles (0.003%); highest among the groups gnomAD compares: East Asian, 0.016%; no homozygotes.

Submissions (2):

Ambry Genetics
Classification: Uncertain significance for Inborn genetic diseases. Last evaluated: 2023-11-06. Review status: criteria provided, single submitter. Criteria: Ambry Variant Classification Scheme 2023. Collection method: clinical testing. Allele origin: germline.

Labcorp Genetics (formerly Invitae), Labcorp
Classification: Uncertain significance for Combined immunodeficiency with skin granulomas; Severe combined immunodeficiency, autosomal recessive, T cell-negative, B cell-negative, NK cell-positive. Last evaluated: 2022-10-24. Review status: criteria provided, single submitter. Criteria: Invitae Variant Classification Sherloc (09022015). Collection method: clinical testing. Allele origin: germline.
Comment: This sequence change replaces alanine, which is neutral and non-polar, with valine, which is neutral and non-polar, at codon 735 of the RAG1 protein (p.Ala735Val). This variant is present in population databases (no rsID available, gnomAD 0.007%). This variant has not been reported in the literature in individuals affected with RAG1-related conditions. ClinVar contains an entry for this variant (Variation ID: 653876). Advanced modeling of protein sequence and biophysical properties (such as structural, functional, and spatial information, amino acid conservation, physicochemical variation, residue mobility, and thermodynamic stability) performed at Invitae indicates that this missense variant is not expected to disrupt RAG1 protein function. In summary, the available evidence is currently insufficient to determine the role of this variant in disease. Therefore, it has been classified as a Variant of Uncertain Significance.

NM_000448.3(RAG1):c.2204C>T (p.Ala735Val)

Gene: RAG1 (recombination activating 1; plus strand). Cytogenetic location: 11p12.
Variant type: single nucleotide variant.
Coding change: c.2204C>T on transcript NM_000448.3 (MANE Select); coding-DNA position 2204, C replaced by T.
Protein change: p.Ala735Val; replaces alanine 735 with valine.
Molecular consequence: missense variant.
Genome position (GRCh38, 1-based): chr11:36,575,508, C>T. VCF-style: chr11-36575508-C-T. GRCh37 (hg19) VCF-style: chr11-36597058-C-T.
Other names: c.2204C>T, p.Ala735Val (NM_001377277.1, NM_001377278.1, NM_001377279.1 and 1 more transcripts); short protein forms A735V.
Identifiers: ClinVar variation 653876 (VCV000653876.6), dbSNP rs922541917, ClinGen allele CA220601347.